The following is an entry in ClinVar:

ClinVar aggregate classification (germline): Uncertain significance (1 of 4 stars; one submission).

gnomAD v4.1: 17 of 1,210,311 alleles (0.0014%); highest among the groups gnomAD compares: Non-Finnish European, 0.0012%; no homozygotes.

Submission:

Labcorp Genetics (formerly Invitae), Labcorp
Classification: Uncertain significance. Last evaluated: 2024-10-12. Review status: criteria provided, single submitter. Criteria: Invitae Variant Classification Sherloc (09022015). Collection method: clinical testing. Allele origin: germline.
Comment: This sequence change replaces alanine, which is neutral and non-polar, with aspartic acid, which is acidic and polar, at codon 327 of the TLR7 protein (p.Ala327Asp). This variant is present in population databases (rs767328024, gnomAD 0.007%). This variant has not been reported in the literature in individuals affected with TLR7-related conditions. An algorithm developed to predict the effect of missense changes on protein structure and function (PolyPhen-2) suggests that this variant is likely to be disruptive. Experimental studies have shown that this missense change affects TLR7 function (PMID: 34413140). In summary, the available evidence is currently insufficient to determine the role of this variant in disease. Therefore, it has been classified as a Variant of Uncertain Significance.

Literature cited by the submitters: PubMed 34413140.

NM_016562.4(TLR7):c.980C>A (p.Ala327Asp)

Gene: TLR7 (toll like receptor 7; plus strand). Cytogenetic location: Xp22.2.
Variant type: single nucleotide variant.
Coding change: c.980C>A on transcript NM_016562.4 (MANE Select); coding-DNA position 980, C replaced by A.
Protein change: p.Ala327Asp; replaces alanine 327 with aspartic acid.
Molecular consequence: missense variant.
Genome position (GRCh38, 1-based): chrX:12,886,488, C>A. VCF-style: chrX-12886488-C-A. GRCh37 (hg19) VCF-style: chrX-12904607-C-A.
Other names: short protein forms A327D.
Identifiers: ClinVar variation 3714750 (VCV003714750.2).